The following is an entry in ClinVar:

ClinVar aggregate classification (germline): Likely benign. Review status: criteria provided, multiple submitters, no conflicts (2 of 4 stars). 2 submissions from 2 submitters: Likely benign (2). Last evaluated 2025-12-21.

Conditions:
Early Myoclonic Encephalopathy. Identifiers: MedGen C0270855.

Allele frequency attached by ClinVar (database versions not stated): TOPMed 0.00029; gnomAD 0.00045 and 0.00048; ESP Exome Variant Server 0.00047; gnomAD exomes 0.00047 and 0.00072; ExAC 0.00109.
gnomAD v4.1: 751 of 1,614,054 alleles (0.047%); highest among the groups gnomAD compares: Non-Finnish European, 0.05%; 1 homozygote.

Submissions (2):

Labcorp Genetics (formerly Invitae), Labcorp
Classification: Likely benign for Early Myoclonic Encephalopathy. Last evaluated: 2025-12-21. Review status: criteria provided, single submitter. Criteria: Invitae Variant Classification Sherloc (09022015). Collection method: clinical testing. Allele origin: germline.

CeGaT Center for Human Genetics Tuebingen
Classification: Likely benign. Last evaluated: 2024-09-01. Review status: criteria provided, single submitter. Criteria: CeGaT Center For Human Genetics Tuebingen Variant Classification Criteria Version 2. Collection method: clinical testing. Allele origin: germline. Affected: yes. Observed: 1 variant allele.
Comment: JMJD1C: BP4, BS1

NM_032776.3(JMJD1C):c.2538A>G (p.Gly846=)

Gene: JMJD1C (jumonji domain containing 1C; minus strand). Cytogenetic location: 10q21.3.
Variant type: single nucleotide variant.
Coding change: c.2538A>G on transcript NM_032776.3 (MANE Select); coding-DNA position 2538, A replaced by G.
Protein change: p.Gly846=; no amino-acid change (glycine 846 retained).
Molecular consequence: synonymous variant. On other transcripts: non-coding transcript variant (1).
Genome position (GRCh38, 1-based): chr10:63,213,629, T>C on the plus strand (A>G on the coding strand, the complement: JMJD1C is on the minus strand). VCF-style: chr10-63213629-T-C. GRCh37 (hg19) VCF-style: chr10-64973389-T-C.
Other names: c.1992A>G, p.Gly664= (NM_001282948.2, NM_001318154.2); c.1674A>G, p.Gly558= (NM_001318153.2); c.2424A>G, p.Gly808= (NM_001322252.2); c.1881A>G, p.Gly627= (NM_001322254.2, NM_001322258.2).
Identifiers: ClinVar variation 529727 (VCV000529727.25), dbSNP rs200418707, ClinGen allele CA5518619.